The following is an entry in ClinVar:

NM_016013.4(NDUFAF1):c.932A>G (p.Glu311Gly)

Gene: NDUFAF1 (NADH:ubiquinone oxidoreductase complex assembly factor 1; minus strand). Cytogenetic location: 15q15.1.
Variant type: single nucleotide variant.
Coding change: c.932A>G on transcript NM_016013.4 (MANE Select); coding-DNA position 932, A replaced by G.
Protein change: p.Glu311Gly; replaces glutamic acid 311 with glycine.
Molecular consequence: missense variant. On other transcripts: 3 prime UTR variant (3), non-coding transcript variant (3).
Genome position (GRCh38, 1-based): chr15:41,387,496, T>C on the plus strand (A>G on the coding strand, the complement: NDUFAF1 is on the minus strand). VCF-style: chr15-41387496-T-C. GRCh37 (hg19) VCF-style: chr15-41679694-T-C.
Other names: c.932A>G, p.Glu311Gly (NM_001437486.1, NM_001437487.1); c.*37A>G (NM_001437488.1, NM_001437489.1, NM_001437490.1); short protein forms E311G.
Identifiers: ClinVar variation 4686899 (VCV004686899.1).

ClinVar aggregate classification (germline): Uncertain significance (1 of 4 stars; one submission).

Submission:

GeneDx
Classification: Uncertain significance. Last evaluated: 2025-07-23. Review status: criteria provided, single submitter. Criteria: GeneDx Variant Classification Process June 2021. Collection method: clinical testing. Allele origin: germline. Affected: yes.
Comment: Not observed at significant frequency in large population cohorts (gnomAD); In silico analysis supports that this missense variant has a deleterious effect on protein structure/function; Has not been previously published as pathogenic or benign to our knowledge